The following is an entry in ClinVar:

NM_000348.4(SRD5A2):c.*224A>T

Gene: SRD5A2 (steroid 5 alpha-reductase 2; minus strand). Cytogenetic location: 2p23.1.
Variant type: single nucleotide variant.
Coding change: c.*224A>T on transcript NM_000348.4 (MANE Select); 224 bases downstream of the stop codon, A replaced by T.
Molecular consequence: 3 prime UTR variant.
Genome position (GRCh38, 1-based): chr2:31,525,972, T>A on the plus strand (A>T on the coding strand, the complement: SRD5A2 is on the minus strand). VCF-style: chr2-31525972-T-A. GRCh37 (hg19) VCF-style: chr2-31751042-T-A.
Identifiers: ClinVar variation 335811 (VCV000335811.6), dbSNP rs28383083, ClinGen allele CA10613207.
Genomic context (GRCh38, chr2:31,525,972, plus strand): 5'-GGAGAAGTTTGTACTTTCTCAGAGCAATAGCTAAGAAGCAACTGTCGCCATTTGGAAAAG[T>A]GGCTTTTTGAAGCTTCAGTTGGGGATCAGGATAGGGGTCCCTGGAAGGGTAGGAGTAAAC-3'

ClinVar aggregate classification (germline): Benign. Review status: criteria provided, multiple submitters, no conflicts (2 of 4 stars). 2 submissions from 2 submitters: Benign (2). Last evaluated 2018-01-13.

Conditions:
3-Oxo-5 alpha-steroid delta 4-dehydrogenase deficiency (PPSH). Also called: PSEUDOVAGINAL PERINEOSCROTAL HYPOSPADIAS; FAMILIAL INCOMPLETE MALE PSEUDOHERMAPHRODITISM, TYPE 2; MALE PSEUDOHERMAPHRODITISM DUE TO 5-ALPHA-REDUCTASE DEFICIENCY; 46,XY disorder of sex development due to 5-alpha-reductase 2 deficiency. Identifiers: Orphanet 753, MedGen C0268297, MONDO:0009923, OMIM 264600. Disease mechanism: loss of function.

Allele frequency attached by ClinVar (database versions not stated): TOPMed 0.00714; gnomAD 0.00862 and 0.00944; gnomAD exomes 0.00926; 1000 Genomes Project 30x 0.01437; 1000 Genomes Project 0.01458.
gnomAD v4.1: 3,852 of 410,912 alleles (0.94%); highest among the groups gnomAD compares: South Asian, 3.1%; 39 homozygotes.

Submissions (2):

Illumina Laboratory Services, Illumina
Classification: Benign for 3-Oxo-5 alpha-steroid delta 4-dehydrogenase deficiency. Last evaluated: 2018-01-13. Review status: criteria provided, single submitter. Criteria: ICSL Variant Classification Criteria 13 December 2019. Collection method: clinical testing. Allele origin: germline.
Comment: This variant was observed in the ICSL laboratory as part of a predisposition screen in an ostensibly healthy population. It had not been previously curated by ICSL or reported in the Human Gene Mutation Database (HGMD: prior to June 1st, 2018), and was therefore a candidate for classification through an automated scoring system. Utilizing variant allele frequency, disease prevalence and penetrance estimates, and inheritance mode, an automated score was calculated to assess if this variant is too frequent to cause the disease. Based on the score and internal cut-off values, a variant classified as benign is not then subjected to further curation. The score for this variant resulted in a classification of benign for this disease.

Breakthrough Genomics
Classification: Benign. Review status: criteria provided, single submitter. Criteria: ACMG Guidelines, 2015. Collection method: not provided. Allele origin: germline. Inheritance: Autosomal recessive inheritance. Affected: yes.